The following continues an entry in ClinVar:

NM_000363.5(TNNI3):c.484C>T (p.Arg162Trp)

Gene: TNNI3. ClinVar aggregate classification (germline): Uncertain significance. Uncertain significance (1).

Submissions 23 to 24 of 24:

Agnes Ginges Centre for Molecular Cardiology, Centenary Institute
Classification: Likely pathogenic for Hypertrophic cardiomyopathy. Last evaluated: 2020-03-23. Review status: no assertion criteria provided. Collection method: research. Allele origin: germline. Inheritance: Autosomal recessive inheritance. Affected: yes. Not counted in ClinVar's aggregate classification.
Comment: For further information please feel free to contact us.

CSER _CC_NCGL, University of Washington
Classification: Uncertain significance for Cardiomyopathy, hypertrophic. Last evaluated: 2014-06-01. Review status: flagged submission. Collection method: research. Allele origin: germline. Inheritance: Autosomal dominant inheritance. Study: ESP 6500 variant annotation. Not counted in ClinVar's aggregate classification.
Comment: Variants classified for the Actionable exomic incidental findings in 6503 participants: challenges of variant classification manuscript
ClinVar note: Reason: Outlier claim with insufficient supporting evidence

Literature cited by the submitters: PubMed 9241277 (cited by 7 submitters); PubMed 21799269 (cited by 6 submitters); PubMed 21896538 (cited by 7 submitters); PubMed 22429680 (cited by 8 submitters); PubMed 25132132 (cited by 3 submitters); PubMed 27532257 (cited by 8 submitters); PubMed 28356264 (cited by 4 submitters); PubMed 30847666 (cited by 4 submitters); PubMed 32746448 (cited by 5 submitters); PubMed 33673806 (cited by 5 submitters); PubMed 10806205 (cited by 9 submitters); PubMed 11735257 (cited by 8 submitters); PubMed 12860912 (cited by Labcorp Genetics (formerly Invitae), Labcorp); PubMed 15607392 (cited by Labcorp Genetics (formerly Invitae), Labcorp and Victorian Clinical Genetics Services, Murdoch Childrens Research Institute); PubMed 15698845 (cited by Labcorp Genetics (formerly Invitae), Labcorp); PubMed 15992656 (cited by Labcorp Genetics (formerly Invitae), Labcorp); PubMed 16352453 (cited by Labcorp Genetics (formerly Invitae), Labcorp); PubMed 22876777 (cited by Labcorp Genetics (formerly Invitae), Labcorp); PubMed 20350521 (cited by 3 submitters); PubMed 21839045 (cited by 3 submitters); PubMed 23270746 (cited by 6 submitters); PubMed 23299917 (cited by Ambry Genetics and New York Genome Center); PubMed 24113344 (cited by 6 submitters); PubMed 25342278 (cited by Ambry Genetics and Women's Health and Genetics/Laboratory Corporation of America, LabCorp); PubMed 25351510 (cited by Ambry Genetics); PubMed 25637381 (cited by Ambry Genetics and Laboratory for Molecular Medicine, Mass General Brigham Personalized Medicine); PubMed 28138913 (cited by Ambry Genetics); PubMed 28408708 (cited by Ambry Genetics); PubMed 29203298 (cited by Ambry Genetics); PubMed 29551499 (cited by Ambry Genetics); PubMed 30105547 (cited by 3 submitters); PubMed 30297972 (cited by Ambry Genetics); PubMed 32686758 (cited by Ambry Genetics and Victorian Clinical Genetics Services, Murdoch Childrens Research Institute); PubMed 32830170 (cited by Ambry Genetics and Victorian Clinical Genetics Services, Murdoch Childrens Research Institute); PubMed 33487615 (cited by Ambry Genetics); PubMed 35288587 (cited by 3 submitters); PubMed 36252119 (cited by 3 submitters); PubMed 36264615 (cited by Ambry Genetics); PubMed 30696458 (cited by Color Diagnostics, LLC DBA Color Health); PubMed 33495596 (cited by Color Diagnostics, LLC DBA Color Health and All of Us Research Program, National Institutes of Health); PubMed 33495597 (cited by Color Diagnostics, LLC DBA Color Health and All of Us Research Program, National Institutes of Health); PubMed 37652022 (cited by New York Genome Center); PubMed 15070570 (cited by Victorian Clinical Genetics Services, Murdoch Childrens Research Institute and Laboratory for Molecular Medicine, Mass General Brigham Personalized Medicine); PubMed 21533915 (cited by Victorian Clinical Genetics Services, Murdoch Childrens Research Institute); PubMed 28420666 (cited by Victorian Clinical Genetics Services, Murdoch Childrens Research Institute); PubMed 21967901 (cited by Women's Health and Genetics/Laboratory Corporation of America, LabCorp and Agnes Ginges Centre for Molecular Cardiology, Centenary Institute).